The following is an entry in ClinVar:

NM_001278431.2(C1QTNF5):c.562C>G (p.Pro188Ala)

Genes: MFRP (membrane frizzled-related protein; minus strand), C1QTNF5 (C1q and TNF related 5; minus strand). Cytogenetic location: 11q23.3.
Variant type: single nucleotide variant.
Coding change: c.562C>G on transcript NM_001278431.2 (MANE Select); coding-DNA position 562, C replaced by G.
Protein change: p.Pro188Ala; replaces proline 188 with alanine.
Molecular consequence: missense variant. On other transcripts: 3 prime UTR variant (1).
Genome position (GRCh38, 1-based): chr11:119,339,501, G>C on the plus strand (C>G on the coding strand, the complement: C1QTNF5 is on the minus strand). VCF-style: chr11-119339501-G-C. GRCh37 (hg19) VCF-style: chr11-119210211-G-C.
Other names: c.562C>G, p.Pro188Ala (NM_015645.5); c.*1458C>G (NM_031433.4); short protein forms P188A.
Identifiers: ClinVar variation 813996 (VCV000813996.1), dbSNP rs1591299252, ClinGen allele CA382968501.

ClinVar aggregate classification (germline): Likely pathogenic (1 of 4 stars; one submission).

Conditions:
Late-onset retinal degeneration (LORD). Also called: RETINAL DEGENERATION, LATE-ONSET, AUTOSOMAL DOMINANT. Identifiers: Orphanet 67042, MedGen C1854065, MONDO:0011579, OMIM 605670. Disease mechanism: loss of function.

Submission:

Broad Center for Mendelian Genomics, Broad Institute of MIT and Harvard
Classification: Likely pathogenic for Late-onset retinal degeneration. Last evaluated: 2018-12-03. Review status: criteria provided, single submitter. Criteria: ACMG Guidelines, 2015. Collection method: research. Allele origin: de novo. Inheritance: Autosomal recessive inheritance. Affected: yes.
Comment: Trio exome analysis showed this variant to be de novo. The p.Pro188Ala variant in C1QTNF5 has not been previously reported in individuals with late onset retinal degeneration and was absent from large population studies. Computational prediction tools and conservation analyses do not provide strong support for or against an impact to the protein. However, the presence of this variant in combination with a likely pathogenic variant and in an individual with late onset retinal degredataion increases the likelihood that the p.Pro188Ala variant is pathogenic. In summary, although additional studies are required to fully establish its clinical significance, this variant is likely pathogenic. ACMG/AMP Criteria applied: PM2, PS2, PM3_Supporting (Richards 2015).